The following is an entry in ClinVar:

ClinVar aggregate classification (germline): Uncertain significance (0 of 4 stars; one submission).

Conditions:
NDST1-related disorder. Also called: NDST1-related condition.

gnomAD v4.1: 2 of 1,613,508 alleles (0.00012%); highest among the groups gnomAD compares: Admixed American, 0.0033%; no homozygotes.

Submission:

PreventionGenetics, part of Exact Sciences
Classification: Uncertain significance for NDST1-related condition. Last evaluated: 2024-01-21. Review status: no assertion criteria provided. Collection method: clinical testing. Allele origin: germline.
Comment: The NDST1 c.2395A>G variant is predicted to result in the amino acid substitution p.Thr799Ala. To our knowledge, this variant has not been reported in the literature. This variant is reported in 0.0058% of alleles in individuals of Latino descent in gnomAD. At this time, the clinical significance of this variant is uncertain due to the absence of conclusive functional and genetic evidence.

NM_001543.5(NDST1):c.2395A>G (p.Thr799Ala)

Gene: NDST1 (N-deacetylase and N-sulfotransferase 1; plus strand). Cytogenetic location: 5q33.1.
Variant type: single nucleotide variant.
Coding change: c.2395A>G on transcript NM_001543.5 (MANE Select); coding-DNA position 2395, A replaced by G.
Protein change: p.Thr799Ala; replaces threonine 799 with alanine.
Molecular consequence: missense variant.
Genome position (GRCh38, 1-based): chr5:150,549,756, A>G. VCF-style: chr5-150549756-A-G. GRCh37 (hg19) VCF-style: chr5-149929318-A-G.
Other names: c.2224A>G, p.Thr742Ala (NM_001301063.2); short protein forms T742A, T799A.
Identifiers: ClinVar variation 3033111 (VCV003033111.2), dbSNP rs987497760, ClinGen allele CA129138716.
Genomic context (GRCh38, chr5:150,549,756, plus strand): 5'-AAACTGCTTCGCACAGAACCTGCCAAAGTGATGGACATGGTGCAGAAGTTCCTTGGGGTG[A>G]CCAACACCATTGACTACCACAAAACCTTGGCGTGAGTGTTGCCTTTTCCTTTCTGCAGGT-3'
Protein context (NP_001534.1, residues 789-809): MDMVQKFLGV[Thr799Ala]NTIDYHKTLA